The following is an entry in ClinVar:

NM_001385641.1(SAMD11):c.941G>A (p.Ser314Asn)

Gene: SAMD11 (sterile alpha motif domain containing 11; plus strand). Cytogenetic location: 1p36.33.
Variant type: single nucleotide variant.
Coding change: c.941G>A on transcript NM_001385641.1 (MANE Select); coding-DNA position 941, G replaced by A.
Protein change: p.Ser314Asn; replaces serine 314 with asparagine.
Molecular consequence: missense variant.
Genome position (GRCh38, 1-based): chr1:935,870, G>A. VCF-style: chr1-935870-G-A. GRCh37 (hg19) VCF-style: chr1-871250-G-A.
Other names: c.941G>A, p.Ser314Asn (NM_001385640.1); c.404G>A, p.Ser135Asn (NM_152486.4); short protein forms S135N, S314N.
Identifiers: ClinVar variation 4762057 (VCV004762057.1).

ClinVar aggregate classification (germline): Uncertain significance (1 of 4 stars; one submission).

Submission:

Labcorp Genetics (formerly Invitae), Labcorp
Classification: Uncertain significance. Last evaluated: 2025-11-28. Review status: criteria provided, single submitter. Criteria: Invitae Variant Classification Sherloc (09022015). Collection method: clinical testing. Allele origin: germline.
Comment: This sequence change replaces serine, which is neutral and polar, with asparagine, which is neutral and polar, at codon 135 of the SAMD11 protein (p.Ser135Asn). This variant is not present in population databases (gnomAD no frequency). This variant has not been reported in the literature in individuals affected with SAMD11-related conditions. An algorithm developed to predict the effect of missense changes on protein structure and function outputs the following: PolyPhen-2: "Benign". The asparagine amino acid residue is found in multiple mammalian species, which suggests that this missense change does not adversely affect protein function. In summary, the available evidence is currently insufficient to determine the role of this variant in disease. Therefore, it has been classified as a Variant of Uncertain Significance.